The following is an entry in ClinVar:

NM_032833.5(PPP1R15B):c.628A>G (p.Ile210Val)

Gene: PPP1R15B (protein phosphatase 1 regulatory subunit 15B; minus strand). Cytogenetic location: 1q32.1.
Variant type: single nucleotide variant.
Coding change: c.628A>G on transcript NM_032833.5 (MANE Select); coding-DNA position 628, A replaced by G.
Protein change: p.Ile210Val; replaces isoleucine 210 with valine.
Molecular consequence: missense variant.
Genome position (GRCh38, 1-based): chr1:204,410,784, T>C on the plus strand (A>G on the coding strand, the complement: PPP1R15B is on the minus strand). VCF-style: chr1-204410784-T-C. GRCh37 (hg19) VCF-style: chr1-204379912-T-C.
Other names: short protein forms I210V.
Identifiers: ClinVar variation 2054275 (VCV002054275.4), dbSNP rs1162449696, ClinGen allele CA344354434.

ClinVar aggregate classification (germline): Uncertain significance (1 of 4 stars; one submission).

Allele frequency attached by ClinVar (database versions not stated): gnomAD exomes below 0.00001.

Submission:

Labcorp Genetics (formerly Invitae), Labcorp
Classification: Uncertain significance. Last evaluated: 2022-05-05. Review status: criteria provided, single submitter. Criteria: Invitae Variant Classification Sherloc (09022015). Collection method: clinical testing. Allele origin: germline.
Comment: In summary, the available evidence is currently insufficient to determine the role of this variant in disease. Therefore, it has been classified as a Variant of Uncertain Significance. Algorithms developed to predict the effect of missense changes on protein structure and function output the following: SIFT: "Tolerated"; PolyPhen-2: "Benign"; Align-GVGD: "Class C0". The valine amino acid residue is found in multiple mammalian species, which suggests that this missense change does not adversely affect protein function. This variant has not been reported in the literature in individuals affected with PPP1R15B-related conditions. This variant is present in population databases (no rsID available, gnomAD 0.003%). This sequence change replaces isoleucine, which is neutral and non-polar, with valine, which is neutral and non-polar, at codon 210 of the PPP1R15B protein (p.Ile210Val).